The following is an entry in ClinVar:

ClinVar aggregate classification (germline): Uncertain significance. Review status: criteria provided, multiple submitters, no conflicts (2 of 4 stars). 2 submissions from 2 submitters: Uncertain significance (2). Last evaluated 2025-08-31.

Conditions:
Inborn genetic diseases. Identifiers: MedGen C0950123, MeSH D030342.
Acrocallosal syndrome (ACLS). Also called: HALLUX DUPLICATION, POSTAXIAL POLYDACTYLY, AND ABSENCE OF CORPUS CALLOSUM; Schinzel syndrome 1; Absence of corpus callosum with unusual facial appearance, mental deficiency, duplication of the halluces and polydactyly. Identifiers: Orphanet 36, MedGen C0796147, MONDO:0008708, OMIM 200990.

Allele frequency attached by ClinVar (database versions not stated): gnomAD exomes 0.00002 and 0.00006; gnomAD 0.00003; TOPMed 0.00006.
gnomAD v4.1: 29 of 1,551,178 alleles (0.0019%); highest among the groups gnomAD compares: Admixed American, 0.029%; no homozygotes.

Submissions (2):

Ambry Genetics
Classification: Uncertain significance for Inborn genetic diseases. Last evaluated: 2025-08-31. Review status: criteria provided, single submitter. Criteria: Ambry Variant Classification Scheme 2023. Collection method: clinical testing. Allele origin: germline.

Labcorp Genetics (formerly Invitae), Labcorp
Classification: Uncertain significance for Acrocallosal syndrome. Last evaluated: 2022-08-19. Review status: criteria provided, single submitter. Criteria: Invitae Variant Classification Sherloc (09022015). Collection method: clinical testing. Allele origin: germline.
Comment: This sequence change replaces glutamic acid, which is acidic and polar, with lysine, which is basic and polar, at codon 84 of the KIF7 protein (p.Glu84Lys). This variant is present in population databases (rs775919883, gnomAD 0.02%). This variant has not been reported in the literature in individuals affected with KIF7-related conditions. ClinVar contains an entry for this variant (Variation ID: 1366462). Algorithms developed to predict the effect of missense changes on protein structure and function are either unavailable or do not agree on the potential impact of this missense change (SIFT: "Tolerated"; PolyPhen-2: "Possibly Damaging"; Align-GVGD: "Class C0"). In summary, the available evidence is currently insufficient to determine the role of this variant in disease. Therefore, it has been classified as a Variant of Uncertain Significance.

NM_198525.3(KIF7):c.250G>A (p.Glu84Lys)

Gene: KIF7 (kinesin family member 7; minus strand). Cytogenetic location: 15q26.1.
Variant type: single nucleotide variant.
Coding change: c.250G>A on transcript NM_198525.3 (MANE Select); coding-DNA position 250, G replaced by A.
Protein change: p.Glu84Lys; replaces glutamic acid 84 with lysine.
Molecular consequence: missense variant.
Genome position (GRCh38, 1-based): chr15:89,652,681, C>T on the plus strand (G>A on the coding strand, the complement: KIF7 is on the minus strand). VCF-style: chr15-89652681-C-T. GRCh37 (hg19) VCF-style: chr15-90195912-C-T.
Other names: c.250G>A (NM_198525.2); short protein forms E84K.
Identifiers: ClinVar variation 1366462 (VCV001366462.4), dbSNP rs775919883, ClinGen allele CA7728671.